The following is an entry in ClinVar:

NM_000379.4(XDH):c.825T>C (p.Phe275=)

Gene: XDH (xanthine dehydrogenase; minus strand). Cytogenetic location: 2p23.1.
Variant type: single nucleotide variant.
Coding change: c.825T>C on transcript NM_000379.4 (MANE Select); coding-DNA position 825, T replaced by C.
Protein change: p.Phe275=; no amino-acid change (phenylalanine 275 retained).
Molecular consequence: synonymous variant.
Genome position (GRCh38, 1-based): chr2:31,383,816, A>G on the plus strand (T>C on the coding strand, the complement: XDH is on the minus strand). VCF-style: chr2-31383816-A-G. GRCh37 (hg19) VCF-style: chr2-31606682-A-G.
Other names: p.Phe275=.
Identifiers: ClinVar variation 335794 (VCV000335794.17), dbSNP rs145596057, ClinGen allele CA1599468.

ClinVar aggregate classification (germline): Conflicting classifications of pathogenicity. Review status: criteria provided, conflicting classifications (1 of 4 stars). 4 submissions from 4 submitters: Uncertain significance (1); Likely benign (3). Last evaluated 2026-01-06.

Conditions:
Xanthinuria type II. Also called: Xanthine dehydrogenase and aldehyde oxidase combined deficiency of; XDH and AOX dual deficiency. Identifiers: Orphanet 3467, Orphanet 93602, MedGen C1863688, MONDO:0011346, OMIM 603592.
Hereditary xanthinuria type 1 (XAN1). Identifiers: Orphanet 3467, Orphanet 93601, MedGen C0268118, MONDO:0010209, OMIM 278300.

Allele frequency attached by ClinVar (database versions not stated): 1000 Genomes Project 30x 0.00031; 1000 Genomes Project 0.00040; ExAC 0.00045; gnomAD exomes 0.00046 and 0.00094; TOPMed 0.00060; gnomAD 0.00064 and 0.00066; ESP Exome Variant Server 0.00115.
gnomAD v4.1: 1,448 of 1,614,154 alleles (0.09%); highest among the groups gnomAD compares: Non-Finnish European, 0.12%; 1 homozygote.

Submissions (4):

Labcorp Genetics (formerly Invitae), Labcorp
Classification: Likely benign for Xanthinuria type II. Last evaluated: 2026-01-06. Review status: criteria provided, single submitter. Criteria: Invitae Variant Classification Sherloc (09022015). Collection method: clinical testing. Allele origin: germline.

Mayo Clinic Laboratories, Mayo Clinic
Classification: Likely benign. Last evaluated: 2025-02-03. Review status: criteria provided, single submitter. Criteria: ACMG Guidelines, 2015. Collection method: clinical testing. Allele origin: germline. Observed: 1 variant allele.
Comment: BS1, BP4, BP7

Blueprint Genetics
Classification: Likely benign. Last evaluated: 2024-08-28. Review status: criteria provided, single submitter. Criteria: ACMG Guidelines, 2015. Collection method: clinical testing. Allele origin: germline.

Illumina Laboratory Services, Illumina
Classification: Uncertain significance for Hereditary xanthinuria type 1. Last evaluated: 2018-01-13. Review status: criteria provided, single submitter. Criteria: ICSL Variant Classification Criteria 13 December 2019. Collection method: clinical testing. Allele origin: germline.